The following is an entry in ClinVar:

NM_025081.3(NYNRIN):c.4564C>G (p.Leu1522Val)

Gene: NYNRIN (NYN domain and retroviral integrase containing; plus strand). Cytogenetic location: 14q12.
Variant type: single nucleotide variant.
Coding change: c.4564C>G on transcript NM_025081.3 (MANE Select); coding-DNA position 4564, C replaced by G.
Protein change: p.Leu1522Val; replaces leucine 1522 with valine.
Molecular consequence: missense variant.
Genome position (GRCh38, 1-based): chr14:24,416,313, C>G. VCF-style: chr14-24416313-C-G. GRCh37 (hg19) VCF-style: chr14-24885519-C-G.
Other names: short protein forms L1522V.
Identifiers: ClinVar variation 2705381 (VCV002705381.3), dbSNP rs200445194, ClinGen allele CA7137448.

ClinVar aggregate classification (germline): Uncertain significance (1 of 4 stars; one submission).

Allele frequency attached by ClinVar (database versions not stated): 1000 Genomes Project 30x 0.00016; 1000 Genomes Project 0.00020.
gnomAD v4.1: 157 of 1,613,862 alleles (0.0097%); highest among the groups gnomAD compares: Admixed American, 0.037%; no homozygotes.

Submission:

Labcorp Genetics (formerly Invitae), Labcorp
Classification: Uncertain significance. Last evaluated: 2026-01-12. Review status: criteria provided, single submitter. Criteria: Invitae Variant Classification Sherloc (09022015). Collection method: clinical testing. Allele origin: germline.
Comment: This sequence change replaces leucine, which is neutral and non-polar, with valine, which is neutral and non-polar, at codon 1522 of the NYNRIN protein (p.Leu1522Val). This variant is present in population databases (rs200445194, gnomAD 0.03%). This variant has not been reported in the literature in individuals affected with NYNRIN-related conditions. ClinVar contains an entry for this variant (Variation ID: 2705381). Experimental studies and prediction algorithms are not available or were not evaluated, and the functional significance of this variant is currently unknown. In summary, the available evidence is currently insufficient to determine the role of this variant in disease. Therefore, it has been classified as a Variant of Uncertain Significance.